The following is an entry in ClinVar:

NM_000260.4(MYO7A):c.6548A>G (p.Glu2183Gly)

Gene: MYO7A (myosin VIIA; plus strand). Cytogenetic location: 11q13.5.
Variant type: single nucleotide variant.
Coding change: c.6548A>G on transcript NM_000260.4 (MANE Select); coding-DNA position 6548, A replaced by G.
Protein change: p.Glu2183Gly; replaces glutamic acid 2183 with glycine.
Molecular consequence: missense variant.
Genome position (GRCh38, 1-based): chr11:77,213,969, A>G. VCF-style: chr11-77213969-A-G. GRCh37 (hg19) VCF-style: chr11-76925014-A-G.
Other names: c.6428A>G, p.Glu2143Gly (NM_001127180.2); c.6401A>G, p.Glu2134Gly (NM_001369365.1); short protein forms E2134G, E2183G, E2143G.
Identifiers: ClinVar variation 1986975 (VCV001986975.2), dbSNP rs753817423, ClinGen allele CA6199107.
Genomic context (GRCh38, chr11:77,213,969, plus strand): 5'-GCAACACCTACTTCCACATCACCATTGGGAACTTGGTGCGCGGGAGCAAACTGCTCTGCG[A>G]GACGTCACTGGTGAGGGCGCATCCTGCTGGGCCTAGTGGGCTCCCTGCCTTGCCTGCAGC-3'
Protein context (NP_000251.3, residues 2173-2193): NLVRGSKLLC[Glu2183Gly]TSLGYKMDDL

ClinVar aggregate classification (germline): Uncertain significance (1 of 4 stars; one submission).

Allele frequency attached by ClinVar (database versions not stated): gnomAD exomes below 0.00001; TOPMed below 0.00001; ExAC 0.00001; gnomAD 0.00003.
gnomAD v4.1: 6 of 1,613,948 alleles (0.00037%); highest among the groups gnomAD compares: African/African-American, 0.008%; no homozygotes.

Submission:

Labcorp Genetics (formerly Invitae), Labcorp
Classification: Uncertain significance. Last evaluated: 2026-02-01. Review status: criteria provided, single submitter. Criteria: Invitae Variant Classification Sherloc (09022015). Collection method: clinical testing. Allele origin: germline.
Comment: This sequence change replaces glutamic acid, which is acidic and polar, with glycine, which is neutral and non-polar, at codon 2183 of the MYO7A protein (p.Glu2183Gly). This variant is present in population databases (rs753817423, gnomAD 0.02%). This variant has not been reported in the literature in individuals affected with MYO7A-related conditions. ClinVar contains an entry for this variant (Variation ID: 1986975). Invitae Evidence Modeling of protein sequence and biophysical properties (such as structural, functional, and spatial information, amino acid conservation, physicochemical variation, residue mobility, and thermodynamic stability) has been performed for this missense variant. However, the output from this modeling did not meet the statistical confidence thresholds required to predict the impact of this variant on MYO7A protein function. In summary, the available evidence is currently insufficient to determine the role of this variant in disease. Therefore, it has been classified as a Variant of Uncertain Significance.